The following is an entry in ClinVar:

NM_138393.4(REEP6):c.19C>A (p.Arg7Ser)

Gene: REEP6 (receptor accessory protein 6; plus strand). Cytogenetic location: 19p13.3.
Variant type: single nucleotide variant.
Coding change: c.19C>A on transcript NM_138393.4 (MANE Select); coding-DNA position 19, C replaced by A.
Protein change: p.Arg7Ser; replaces arginine 7 with serine.
Molecular consequence: missense variant.
Genome position (GRCh38, 1-based): chr19:1,491,288, C>A. VCF-style: chr19-1491288-C-A. GRCh37 (hg19) VCF-style: chr19-1491287-C-A.
Other names: c.19C>A, p.Arg7Ser (NM_001329556.3); short protein forms R7S.
Identifiers: ClinVar variation 1424115 (VCV001424115.5), dbSNP rs2084931551, ClinGen allele CA403055637.

ClinVar aggregate classification (germline): Uncertain significance (1 of 4 stars; one submission).

Allele frequency attached by ClinVar (database versions not stated): TOPMed 0.00001.
gnomAD v4.1: 14 of 1,467,966 alleles (0.00095%); highest among the groups gnomAD compares: Non-Finnish European, 0.0012%; no homozygotes.

Submission:

Labcorp Genetics (formerly Invitae), Labcorp
Classification: Uncertain significance. Last evaluated: 2022-07-25. Review status: criteria provided, single submitter. Criteria: Invitae Variant Classification Sherloc (09022015). Collection method: clinical testing. Allele origin: germline.
Comment: This variant is not present in population databases (gnomAD no frequency). This sequence change replaces arginine with serine at codon 7 of the REEP6 protein (p.Arg7Ser). The arginine residue is moderately conserved and there is a moderate physicochemical difference between arginine and serine. This variant has not been reported in the literature in individuals affected with REEP6-related conditions. ClinVar contains an entry for this variant (Variation ID: 1424115). Experimental studies and prediction algorithms are not available or were not evaluated, and the functional significance of this variant is currently unknown. In summary, the available evidence is currently insufficient to determine the role of this variant in disease. Therefore, it has been classified as a Variant of Uncertain Significance.